The following is an entry in ClinVar:

ClinVar aggregate classification (germline): Uncertain significance (1 of 4 stars; one submission).

Submission:

Labcorp Genetics (formerly Invitae), Labcorp
Classification: Uncertain significance. Last evaluated: 2025-09-02. Review status: criteria provided, single submitter. Criteria: Invitae Variant Classification Sherloc (09022015). Collection method: clinical testing. Allele origin: germline.
Comment: This sequence change replaces alanine, which is neutral and non-polar, with proline, which is neutral and non-polar, at codon 184 of the TMEM126A protein (p.Ala184Pro). This variant is not present in population databases (gnomAD no frequency). This variant has not been reported in the literature in individuals affected with TMEM126A-related conditions. ClinVar contains an entry for this variant (Variation ID: 2054264). An algorithm developed to predict the effect of missense changes on protein structure and function (PolyPhen-2) suggests that this variant is likely to be disruptive. In summary, the available evidence is currently insufficient to determine the role of this variant in disease. Therefore, it has been classified as a Variant of Uncertain Significance.

NM_032273.4(TMEM126A):c.550G>C (p.Ala184Pro)

Gene: TMEM126A (transmembrane protein 126A; plus strand). Cytogenetic location: 11q14.1.
Variant type: single nucleotide variant.
Coding change: c.550G>C on transcript NM_032273.4 (MANE Select); coding-DNA position 550, G replaced by C.
Protein change: p.Ala184Pro; replaces alanine 184 with proline.
Molecular consequence: missense variant.
Genome position (GRCh38, 1-based): chr11:85,656,463, G>C. VCF-style: chr11-85656463-G-C. GRCh37 (hg19) VCF-style: chr11-85367507-G-C.
Other names: c.340G>C, p.Ala114Pro (NM_001244735.2); short protein forms A114P, A184P.
Identifiers: ClinVar variation 2054264 (VCV002054264.4), dbSNP rs2547852084, ClinGen allele CA381997854.